The following is an entry in ClinVar:

NM_001082486.2(ACD):c.326A>T (p.Glu109Val)

Gene: ACD (ACD shelterin complex subunit and telomerase recruitment factor; minus strand). Cytogenetic location: 16q22.1.
Variant type: single nucleotide variant.
Coding change: c.326A>T on transcript NM_001082486.2 (MANE Select); coding-DNA position 326, A replaced by T.
Protein change: p.Glu109Val; replaces glutamic acid 109 with valine.
Molecular consequence: missense variant.
Genome position (GRCh38, 1-based): chr16:67,659,712, T>A on the plus strand (A>T on the coding strand, the complement: ACD is on the minus strand). VCF-style: chr16-67659712-T-A. GRCh37 (hg19) VCF-style: chr16-67693615-T-A.
Other names: c.326A>T, p.Glu109Val (NM_001410884.1); c.317A>T, p.Glu106Val (NM_022914.3); c.584A>T (NM_001082486.1); short protein forms E106V, E109V.
Identifiers: ClinVar variation 2957236 (VCV002957236.4), dbSNP rs770621727, ClinGen allele CA8114756.

ClinVar aggregate classification (germline): Uncertain significance. Review status: criteria provided, multiple submitters, no conflicts (2 of 4 stars). 2 submissions from 2 submitters: Uncertain significance (2). Last evaluated 2024-04-27.

Conditions:
Dyskeratosis congenita, autosomal dominant 6 (DKCA6). Identifiers: Orphanet 3322, MedGen C4225284, MONDO:0014690, OMIM 616553.
Inborn genetic diseases. Identifiers: MedGen C0950123, MeSH D030342.

Allele frequency attached by ClinVar (database versions not stated): ExAC 0.00001; gnomAD exomes 0.00001.
gnomAD v4.1: 11 of 1,613,254 alleles (0.00068%); highest among the groups gnomAD compares: South Asian, 0.011%; no homozygotes.

Submissions (2):

Ambry Genetics
Classification: Uncertain significance for Inborn genetic diseases. Last evaluated: 2024-04-27. Review status: criteria provided, single submitter. Criteria: Ambry Variant Classification Scheme 2023. Collection method: clinical testing. Allele origin: germline.
Comment: The p.E195V variant (also known as c.584A>T), located in coding exon 3 of the ACD gene, results from an A to T substitution at nucleotide position 584. The glutamic acid at codon 195 is replaced by valine, an amino acid with dissimilar properties. This amino acid position is conserved. In addition, this alteration is predicted to be tolerated by in silico analysis. Based on the available evidence, the clinical significance of this variant remains unclear.

Labcorp Genetics (formerly Invitae), Labcorp
Classification: Uncertain significance for Dyskeratosis congenita, autosomal dominant 6. Last evaluated: 2023-12-05. Review status: criteria provided, single submitter. Criteria: Invitae Variant Classification Sherloc (09022015). Collection method: clinical testing. Allele origin: germline.
Comment: This sequence change replaces glutamic acid, which is acidic and polar, with valine, which is neutral and non-polar, at codon 195 of the ACD protein (p.Glu195Val). This variant is present in population databases (rs770621727, gnomAD 0.01%). This variant has not been reported in the literature in individuals affected with ACD-related conditions. Advanced modeling of protein sequence and biophysical properties (such as structural, functional, and spatial information, amino acid conservation, physicochemical variation, residue mobility, and thermodynamic stability) performed at Invitae indicates that this missense variant is expected to disrupt ACD protein function with a positive predictive value of 80%. In summary, the available evidence is currently insufficient to determine the role of this variant in disease. Therefore, it has been classified as a Variant of Uncertain Significance.